The following is an entry in ClinVar:

ClinVar aggregate classification (germline): Likely benign. Review status: criteria provided, single submitter (1 of 4 stars). 2 submissions from 2 submitters: Likely benign (1). 1 of the submissions does not count toward it. Last evaluated 2026-02-03.

Conditions:
Developmental and epileptic encephalopathy, 23 (DEE23). Also called: Epileptic encephalopathy, early infantile, 23. Identifiers: Orphanet 411986, MedGen C4014492, MONDO:0014371, OMIM 615859.
DOCK7-related disorder. Also called: DOCK7-related condition.

Allele frequency attached by ClinVar (database versions not stated): ExAC 0.00006; 1000 Genomes Project 30x 0.00078; TOPMed 0.00096; 1000 Genomes Project 0.00100; gnomAD 0.00100 and 0.00104.
gnomAD v4.1: 287 of 1,549,740 alleles (0.019%); highest among the groups gnomAD compares: African/African-American, 0.32%; no homozygotes.

Submissions (2):

Labcorp Genetics (formerly Invitae), Labcorp
Classification: Likely benign for Developmental and epileptic encephalopathy, 23. Last evaluated: 2026-02-03. Review status: criteria provided, single submitter. Criteria: Invitae Variant Classification Sherloc (09022015). Collection method: clinical testing. Allele origin: germline.

PreventionGenetics, part of Exact Sciences
Classification: Likely benign for DOCK7-related condition. Last evaluated: 2024-01-04. Review status: no assertion criteria provided. Collection method: clinical testing. Allele origin: germline. Not counted in ClinVar's aggregate classification.
Comment: This variant is classified as likely benign based on ACMG/AMP sequence variant interpretation guidelines (Richards et al. 2015 PMID: 25741868, with internal and published modifications).

NM_001367561.1(DOCK7):c.2828C>T (p.Ser943Phe)

Gene: DOCK7 (dedicator of cytokinesis 7; minus strand). Cytogenetic location: 1p31.3.
Variant type: single nucleotide variant.
Coding change: c.2828C>T on transcript NM_001367561.1 (MANE Select); coding-DNA position 2828, C replaced by T.
Protein change: p.Ser943Phe; replaces serine 943 with phenylalanine.
Molecular consequence: missense variant. On other transcripts: intron variant (3).
Genome position (GRCh38, 1-based): chr1:62,544,978, G>A on the plus strand (C>T on the coding strand, the complement: DOCK7 is on the minus strand). VCF-style: chr1-62544978-G-A. GRCh37 (hg19) VCF-style: chr1-63010649-G-A.
Other names: c.2828C>T, p.Ser943Phe (NM_001271999.2, NM_001330614.2); c.2767-1233C>T (NM_001272001.2, NM_001272000.2, NM_033407.4); short protein forms S943F.
Identifiers: ClinVar variation 475135 (VCV000475135.14), dbSNP rs61742951, ClinGen allele CA886171.